The following is an entry in ClinVar:

ClinVar aggregate classification (germline): Likely benign. Review status: criteria provided, multiple submitters, no conflicts (2 of 4 stars). 2 submissions from 2 submitters: Likely benign (2). Last evaluated 2026-08-01.

gnomAD v4.1: 2,959 of 1,597,864 alleles (0.19%); highest among the groups gnomAD compares: Non-Finnish European, 0.23%; 5 homozygotes.

Submissions (2):

CeGaT Center for Human Genetics Tuebingen
Classification: Likely benign. Last evaluated: 2026-08-01. Review status: criteria provided, single submitter. Criteria: CeGaT Center For Human Genetics Tuebingen Variant Classification Criteria Version 2. Collection method: clinical testing. Allele origin: germline. Affected: yes. Observed: 1 variant allele.
Comment: UPK3B: BP4, BS2

Ambry Genetics
Classification: Likely benign. Last evaluated: 2025-08-11. Review status: criteria provided, single submitter. Criteria: Ambry Variant Classification Scheme 2023. Collection method: clinical testing. Allele origin: germline.

NM_001347684.2(UPK3B):c.196G>A (p.Ala66Thr)

Gene: UPK3B (uroplakin 3B; plus strand). Cytogenetic location: 7q11.23.
Variant type: single nucleotide variant.
Coding change: c.196G>A on transcript NM_001347684.2 (MANE Select); coding-DNA position 196, G replaced by A.
Protein change: p.Ala66Thr; replaces alanine 66 with threonine.
Molecular consequence: missense variant.
Genome position (GRCh38, 1-based): chr7:76,511,013, G>A. VCF-style: chr7-76511013-G-A. GRCh37 (hg19) VCF-style: chr7-76140330-G-A.
Other names: short protein forms A66T.
Identifiers: ClinVar variation 4196527 (VCV004196527.2).